The following is an entry in ClinVar:

ClinVar aggregate classification (germline): Likely benign. Review status: criteria provided, single submitter (1 of 4 stars). 2 submissions from 2 submitters: Likely benign (1). 1 of the submissions does not count toward it. Last evaluated 2023-12-30.

Conditions:
EVC2-related disorder. Also called: EVC2-related condition.
Ellis-van Creveld syndrome (EVC). Also called: EVC-Related Ellis-van Creveld Syndrome; EVC2-Related Ellis-van Creveld Syndrome; Chondroectodermal dysplasia; MESOECTODERMAL DYSPLASIA. Identifiers: Orphanet 289, MedGen C0013903, MONDO:0009162, OMIM 225500.
Curry-Hall syndrome (WAD). Also called: WEYERS ACRODENTAL DYSOSTOSIS. Identifiers: Orphanet 952, MedGen C0457013, MONDO:0008673, OMIM 193530.

Allele frequency attached by ClinVar (database versions not stated): gnomAD exomes below 0.00001 and 0.00001; gnomAD 0.00001; TOPMed 0.00001.
gnomAD v4.1: 3 of 1,614,110 alleles (0.00019%); highest among the groups gnomAD compares: East Asian, 0.0045%; no homozygotes.

Submissions (2):

Labcorp Genetics (formerly Invitae), Labcorp
Classification: Likely benign for Curry-Hall syndrome; Ellis-van Creveld syndrome. Last evaluated: 2023-12-30. Review status: criteria provided, single submitter. Criteria: Invitae Variant Classification Sherloc (09022015). Collection method: clinical testing. Allele origin: germline.

PreventionGenetics, part of Exact Sciences
Classification: Likely benign for EVC2-related condition. Last evaluated: 2022-11-30. Review status: no assertion criteria provided. Collection method: clinical testing. Allele origin: germline. Not counted in ClinVar's aggregate classification.
Comment: This variant is classified as likely benign based on ACMG/AMP sequence variant interpretation guidelines (Richards et al. 2015 PMID: 25741868, with internal and published modifications).

NM_147127.5(EVC2):c.921C>T (p.Leu307=)

Gene: EVC2 (EvC ciliary complex subunit 2; minus strand). Cytogenetic location: 4p16.2.
Variant type: single nucleotide variant.
Coding change: c.921C>T on transcript NM_147127.5 (MANE Select); coding-DNA position 921, C replaced by T.
Protein change: p.Leu307=; no amino-acid change (leucine 307 retained).
Molecular consequence: synonymous variant.
Genome position (GRCh38, 1-based): chr4:5,665,599, G>A on the plus strand (C>T on the coding strand, the complement: EVC2 is on the minus strand). VCF-style: chr4-5665599-G-A. GRCh37 (hg19) VCF-style: chr4-5667326-G-A.
Other names: c.921C>T (NM_147127.4); c.681C>T, p.Leu227= (NM_001166136.2).
Identifiers: ClinVar variation 1082588 (VCV001082588.12), dbSNP rs1243167455, ClinGen allele CA438203738.